The following is an entry in ClinVar:

NM_001009944.3(PKD1):c.155C>G (p.Ser52Trp)

Gene: PKD1 (polycystin 1, transient receptor potential channel interacting; minus strand). Cytogenetic location: 16p13.3.
Variant type: single nucleotide variant.
Coding change: c.155C>G on transcript NM_001009944.3 (MANE Select); coding-DNA position 155, C replaced by G.
Protein change: p.Ser52Trp; replaces serine 52 with tryptophan.
Molecular consequence: missense variant.
Genome position (GRCh38, 1-based): chr16:2,135,535, G>C on the plus strand (C>G on the coding strand, the complement: PKD1 is on the minus strand). VCF-style: chr16-2135535-G-C. GRCh37 (hg19) VCF-style: chr16-2185536-G-C.
Other names: c.155C>G, p.Ser52Trp (NM_000296.4); short protein forms S52W.
Identifiers: ClinVar variation 872318 (VCV000872318.42), dbSNP rs2092940490, ClinGen allele CA394282392.
Genomic context (GRCh38, chr16:2,135,535, plus strand): 5'-AGCGCTGTGGCGTCCGCGGGGATGCGCAGCGCGGGACCGAGCGTCCGCAGCCCGCGGCCC[G>C]AGCAGTTGACGCGGCAGGCGGCGCCGGGCGCTGGGCCGCAGAGGCAGGGGGGCTCGCAGG-3'
Protein context (NP_001009944.3, residues 42-62): APGAACRVNC[Ser52Trp]GRGLRTLGPA

ClinVar aggregate classification (germline): Conflicting classifications of pathogenicity. Review status: criteria provided, conflicting classifications (1 of 4 stars). 2 submissions from 2 submitters: Likely pathogenic (1); Uncertain significance (1). Last evaluated 2026-07-02.

Allele frequency attached by ClinVar (database versions not stated): gnomAD exomes below 0.00001.
gnomAD v4.1: 1 of 1,158,100 alleles (0.000086%); highest among the groups gnomAD compares: Non-Finnish European, 0.00011%; no homozygotes.

Submissions (2):

Women's Health and Genetics/Laboratory Corporation of America, LabCorp
Classification: Uncertain significance. Last evaluated: 2026-07-02. Review status: criteria provided, single submitter. Criteria: LabCorp Variant Classification Summary - May 2015. Collection method: clinical testing. Allele origin: germline.
Comment: Variant summary: PKD1 c.155C>G (p.Ser52Trp) results in a non-conservative amino acid change in the encoded protein sequence. Algorithms developed to predict the effect of missense changes on protein structure and function are either unavailable or do not agree on the potential impact of this missense change. The frequency data for this variant in gnomAD is considered unreliable, as metrics indicate poor data quality at this position. c.155C>G has been observed in settings of multigene panel testing for PKD1 and PKD2 genes in cohorts of individual(s) affected with features of PKD1-related conditions (example, Carrera_2016). These report(s) do not provide unequivocal conclusions about association of the variant with disease. To our knowledge, no experimental evidence demonstrating an impact on protein function has been reported. The following publication has been ascertained in the context of this evaluation (PMID: 27499327). ClinVar contains an entry for this variant (Variation ID: 872318). Based on the evidence outlined above, the variant was classified as uncertain significance.

CeGaT Center for Human Genetics Tuebingen
Classification: Likely pathogenic. Last evaluated: 2020-01-01. Review status: criteria provided, single submitter. Criteria: CeGaT Center For Human Genetics Tuebingen Variant Classification Criteria Version 2. Collection method: clinical testing. Allele origin: germline. Affected: yes. Observed: 3 variant alleles.

Literature cited by the submitters: PubMed 27499327 (cited by Women's Health and Genetics/Laboratory Corporation of America, LabCorp).